The following is an entry in ClinVar:

NM_181507.2(HPS5):c.970T>C (p.Trp324Arg)

Gene: HPS5 (HPS5 biogenesis of lysosomal organelles complex 2 subunit 2; minus strand). Cytogenetic location: 11p15.1.
Variant type: single nucleotide variant.
Coding change: c.970T>C on transcript NM_181507.2 (MANE Select); coding-DNA position 970, T replaced by C.
Protein change: p.Trp324Arg; replaces tryptophan 324 with arginine.
Molecular consequence: missense variant.
Genome position (GRCh38, 1-based): chr11:18,300,843, A>G on the plus strand (T>C on the coding strand, the complement: HPS5 is on the minus strand). VCF-style: chr11-18300843-A-G. GRCh37 (hg19) VCF-style: chr11-18322390-A-G.
Other names: c.628T>C, p.Trp210Arg (NM_007216.4, NM_181508.2); short protein forms W210R, W324R.
Identifiers: ClinVar variation 1965358 (VCV001965358.3), dbSNP rs772846783, ClinGen allele CA5910275.

ClinVar aggregate classification (germline): Uncertain significance. Review status: criteria provided, multiple submitters, no conflicts (2 of 4 stars). 2 submissions from 2 submitters: Uncertain significance (2). Last evaluated 2025-10-14.

Conditions:
Inborn genetic diseases. Identifiers: MedGen C0950123, MeSH D030342.

Allele frequency attached by ClinVar (database versions not stated): TOPMed below 0.00001; ExAC 0.00001; gnomAD exomes below 0.00001.
gnomAD v4.1: 6 of 1,571,360 alleles (0.00038%); highest among the groups gnomAD compares: Admixed American, 0.0083%; no homozygotes.

Submissions (2):

Ambry Genetics
Classification: Uncertain significance for Inborn genetic diseases. Last evaluated: 2025-10-14. Review status: criteria provided, single submitter. Criteria: Ambry Variant Classification Scheme 2023. Collection method: clinical testing. Allele origin: germline.

Labcorp Genetics (formerly Invitae), Labcorp
Classification: Uncertain significance. Last evaluated: 2022-01-27. Review status: criteria provided, single submitter. Criteria: Invitae Variant Classification Sherloc (09022015). Collection method: clinical testing. Allele origin: germline.
Comment: This sequence change replaces tryptophan, which is neutral and slightly polar, with arginine, which is basic and polar, at codon 324 of the HPS5 protein (p.Trp324Arg). This variant is present in population databases (rs772846783, gnomAD 0.01%). This variant has not been reported in the literature in individuals affected with HPS5-related conditions. Algorithms developed to predict the effect of missense changes on protein structure and function are either unavailable or do not agree on the potential impact of this missense change (SIFT: "Deleterious"; PolyPhen-2: "Probably Damaging"; Align-GVGD: "Class C0"). In summary, the available evidence is currently insufficient to determine the role of this variant in disease. Therefore, it has been classified as a Variant of Uncertain Significance.